The following is an entry in ClinVar:

NM_004329.3(BMPR1A):c.67+9G>T

Gene: BMPR1A (bone morphogenetic protein receptor type 1A; plus strand). Cytogenetic location: 10q23.2.
Variant type: single nucleotide variant.
Coding change: c.67+9G>T on transcript NM_004329.3 (MANE Select); 9 bases into the intron after coding-DNA position 67, G replaced by T.
Molecular consequence: intron variant.
Genome position (GRCh38, 1-based): chr10:86,876,094, G>T. VCF-style: chr10-86876094-G-T. GRCh37 (hg19) VCF-style: chr10-88635851-G-T.
Identifiers: ClinVar variation 416812 (VCV000416812.13), dbSNP rs1060504909, ClinGen allele CA16612964.

ClinVar aggregate classification (germline): Likely benign. Review status: criteria provided, multiple submitters, no conflicts (2 of 4 stars). 2 submissions from 2 submitters: Likely benign (2). Last evaluated 2024-07-31.

Conditions:
Juvenile polyposis syndrome (JPS). Identifiers: Orphanet 2929, MedGen C0345893, MONDO:0017380, OMIM 174900.

gnomAD v4.1: 9 of 1,605,914 alleles (0.00056%); highest among the groups gnomAD compares: Non-Finnish European, 0.00068%; no homozygotes.

Submissions (2):

Myriad Genetics, Inc.
Classification: Likely benign for Juvenile polyposis syndrome. Last evaluated: 2024-07-31. Review status: criteria provided, single submitter. Criteria: Myriad Autosomal Dominant, Autosomal Recessive and X-Linked Classification Criteria (2023). Collection method: clinical testing. Allele origin: unknown.
Comment: This variant is considered likely benign. This variant is intronic and is not expected to impact mRNA splicing.

Labcorp Genetics (formerly Invitae), Labcorp
Classification: Likely benign for Juvenile polyposis syndrome. Last evaluated: 2024-05-28. Review status: criteria provided, single submitter. Criteria: Invitae Variant Classification Sherloc (09022015). Collection method: clinical testing. Allele origin: germline.